The following is an entry in ClinVar:

ClinVar aggregate classification (germline): Conflicting classifications of pathogenicity. Review status: criteria provided, conflicting classifications (1 of 4 stars). 2 submissions from 2 submitters: Uncertain significance (1); Likely benign (1). Last evaluated 2026-08-01.

Conditions:
Inborn genetic diseases. Identifiers: MedGen C0950123, MeSH D030342.

Allele frequency attached by ClinVar (database versions not stated): gnomAD exomes 0.00032; ExAC 0.00139; 1000 Genomes Project 0.00200.

Submissions (2):

CeGaT Center for Human Genetics Tuebingen
Classification: Likely benign. Last evaluated: 2026-08-01. Review status: criteria provided, single submitter. Criteria: CeGaT Center For Human Genetics Tuebingen Variant Classification Criteria Version 2. Collection method: clinical testing. Allele origin: germline. Affected: yes. Observed: 7 variant alleles.
Comment: FMN2: BS2

Ambry Genetics
Classification: Uncertain significance for Inborn genetic diseases. Last evaluated: 2021-09-27. Review status: criteria provided, single submitter. Criteria: Ambry Variant Classification Scheme 2023. Collection method: clinical testing. Allele origin: germline.

NM_020066.5(FMN2):c.3461C>T (p.Pro1154Leu)

Gene: FMN2 (formin 2; plus strand). Cytogenetic location: 1q43.
Variant type: single nucleotide variant.
Coding change: c.3461C>T on transcript NM_020066.5 (MANE Select); coding-DNA position 3461, C replaced by T.
Protein change: p.Pro1154Leu; replaces proline 1154 with leucine.
Molecular consequence: missense variant. On other transcripts: intron variant (1).
Genome position (GRCh38, 1-based): chr1:240,208,273, C>T. VCF-style: chr1-240208273-C-T. GRCh37 (hg19) VCF-style: chr1-240371573-C-T.
Other names: c.1986+20011C>T (NM_001348094.2); c.3473C>T, p.Pro1158Leu (NM_001305424.2); short protein forms P1154L, P1158L.
Identifiers: ClinVar variation 2323864 (VCV002323864.16), dbSNP rs563570840, ClinGen allele CA1477191.